The following is an entry in ClinVar:

ClinVar aggregate classification (germline): Conflicting classifications of pathogenicity. Review status: criteria provided, conflicting classifications (1 of 4 stars). 4 submissions from 4 submitters: Uncertain significance (3); Benign (1). Last evaluated 2026-01-12.

Conditions:
Hereditary nonpolyposis colorectal neoplasms. Identifiers: MedGen C0009405, MeSH D003123.
Hereditary cancer-predisposing syndrome. Also called: Neoplastic Syndromes, Hereditary; Tumor predisposition; Hereditary Cancer Syndrome; Hereditary neoplastic syndrome. Identifiers: Orphanet 140162, MedGen C0027672, MeSH D009386, MONDO:0015356.
Lynch syndrome. Identifiers: Orphanet 144, MedGen C4552100, MONDO:0005835. Disease mechanism: loss of function.

Allele frequency attached by ClinVar (database versions not stated): gnomAD exomes 0.00001.
gnomAD v4.1: 13 of 1,614,054 alleles (0.00081%); highest among the groups gnomAD compares: African/African-American, 0.004%; no homozygotes.

Submissions (4):

Labcorp Genetics (formerly Invitae), Labcorp
Classification: Benign for Hereditary nonpolyposis colorectal neoplasms. Last evaluated: 2026-01-12. Review status: criteria provided, single submitter. Criteria: Invitae Variant Classification Sherloc (09022015). Collection method: clinical testing. Allele origin: germline.

Ambry Genetics
Classification: Uncertain significance for Hereditary cancer-predisposing syndrome. Last evaluated: 2024-10-04. Review status: criteria provided, single submitter. Criteria: Ambry Variant Classification Scheme 2023. Collection method: clinical testing. Allele origin: germline.
Comment: The p.H189R variant (also known as c.566A>G), located in coding exon 6 of the PMS2 gene, results from an A to G substitution at nucleotide position 566. The histidine at codon 189 is replaced by arginine, an amino acid with highly similar properties. This amino acid position is poorly conserved in available vertebrate species. In addition, this alteration is predicted to be tolerated by in silico analysis. Based on the available evidence, the clinical significance of this variant remains unclear.

All of Us Research Program, National Institutes of Health
Classification: Uncertain significance for Lynch syndrome. Last evaluated: 2023-12-01. Review status: criteria provided, single submitter. Criteria: ACMG Guidelines, 2015. Collection method: clinical testing. Allele origin: germline. Inheritance: Autosomal dominant inheritance. Observed: 3 variant alleles, 3 heterozygotes.
Comment: This missense variant replaces histidine with arginine at codon 189 of the PMS2 protein. Computational prediction suggests that this variant may not impact protein structure and function (internally defined REVEL score threshold <= 0.5, PMID: 27666373). To our knowledge, functional studies have not been reported for this variant. This variant has not been reported in individuals affected with PMS2-related disorders in the literature. This variant has not been identified in the general population by the Genome Aggregation Database (gnomAD). The available evidence is insufficient to determine the role of this variant in disease conclusively. Therefore, this variant is classified as a Variant of Uncertain Significance.

This study involves interpretation of variants in research participants for the purpose of population health screening. Participant phenotype was not available at the time of variant classification. Additional details can be found in publication PMID: 35346344, PMCID: PMC8962531

GeneDx
Classification: Uncertain significance. Last evaluated: 2023-04-26. Review status: criteria provided, single submitter. Criteria: GeneDx Variant Classification Process June 2021. Collection method: clinical testing. Allele origin: germline. Affected: yes.
Comment: Not observed at significant frequency in large population cohorts (gnomAD); In silico analysis supports that this missense variant does not alter protein structure/function; Has not been previously published as pathogenic or benign to our knowledge; This variant is associated with the following publications: (PMID: 31854063, 11574484, 32579932, 30181556, 31925297)

NM_000535.7(PMS2):c.566A>G (p.His189Arg)

Gene: PMS2 (PMS1 homolog 2, mismatch repair system component; minus strand). Cytogenetic location: 7p22.1.
Variant type: single nucleotide variant.
Coding change: c.566A>G on transcript NM_000535.7 (MANE Select); coding-DNA position 566, A replaced by G.
Protein change: p.His189Arg; replaces histidine 189 with arginine.
Molecular consequence: missense variant. On other transcripts: non-coding transcript variant (1), intron variant (3).
Genome position (GRCh38, 1-based): chr7:5,999,247, T>C on the plus strand (A>G on the coding strand, the complement: PMS2 is on the minus strand). VCF-style: chr7-5999247-T-C. GRCh37 (hg19) VCF-style: chr7-6038878-T-C.
Other names: c.161A>G, p.His54Arg (NM_001322003.2, NM_001322004.2, NM_001322005.2 and 2 more transcripts); c.566A>G, p.His189Arg (NM_001322006.2, NM_001322014.2); c.248A>G, p.His83Arg (NM_001322007.2, NM_001322008.2); c.257A>G, p.His86Arg (NM_001322015.2); c.133-1824A>G (NM_001322013.2); c.-347-21A>G (NM_001322012.2, NM_001322011.2); short protein forms H189R, H86R, H83R, H54R.
Identifiers: ClinVar variation 233318 (VCV000233318.15), dbSNP rs876660330, ClinGen allele CA10578705.